The following is an entry in ClinVar:

NM_002427.4(MMP13):c.1373G>A (p.Arg458His)

Gene: MMP13 (matrix metallopeptidase 13; minus strand). Cytogenetic location: 11q22.2.
Variant type: single nucleotide variant.
Coding change: c.1373G>A on transcript NM_002427.4 (MANE Select); coding-DNA position 1373, G replaced by A.
Protein change: p.Arg458His; replaces arginine 458 with histidine.
Molecular consequence: missense variant.
Genome position (GRCh38, 1-based): chr11:102,944,309, C>T on the plus strand (G>A on the coding strand, the complement: MMP13 is on the minus strand). VCF-style: chr11-102944309-C-T. GRCh37 (hg19) VCF-style: chr11-102815038-C-T.
Other names: short protein forms R458H.
Identifiers: ClinVar variation 3152456 (VCV003152456.2), dbSNP rs1368431302, ClinGen allele CA382225703.
Genomic context (GRCh38, chr11:102,944,309, plus strand): 5'-AATTTTTAAAAAGACACTTAACACCACAAAATGGAATTTGCTGGCATGACGCGAACAATA[C>T]GGTTACTCCAGATGCTGTATTCAAACTGTATGGGTCCGTTGAAAAAATAGATATAACCTA-3'
Protein context (NP_002418.1, residues 448-468): IQFEYSIWSN[Arg458His]IVRVMPANSI

ClinVar aggregate classification (germline): Uncertain significance. Review status: criteria provided, multiple submitters, no conflicts (2 of 4 stars). 2 submissions from 2 submitters: Uncertain significance (2). Last evaluated 2025-09-20.

Allele frequency attached by ClinVar (database versions not stated): gnomAD 0.00002; TOPMed 0.00004.

Submissions (2):

Labcorp Genetics (formerly Invitae), Labcorp
Classification: Uncertain significance. Last evaluated: 2025-09-20. Review status: criteria provided, single submitter. Criteria: Invitae Variant Classification Sherloc (09022015). Collection method: clinical testing. Allele origin: germline.
Comment: This sequence change replaces arginine, which is basic and polar, with histidine, which is basic and polar, at codon 458 of the MMP13 protein (p.Arg458His). This variant is present in population databases (no rsID available, gnomAD 0.01%). This variant has not been reported in the literature in individuals affected with MMP13-related conditions. ClinVar contains an entry for this variant (Variation ID: 3152456). Invitae Evidence Modeling of protein sequence and biophysical properties (such as structural, functional, and spatial information, amino acid conservation, physicochemical variation, residue mobility, and thermodynamic stability) indicates that this missense variant is not expected to disrupt MMP13 protein function with a negative predictive value of 80%. In summary, the available evidence is currently insufficient to determine the role of this variant in disease. Therefore, it has been classified as a Variant of Uncertain Significance.

Ambry Genetics
Classification: Uncertain significance. Last evaluated: 2024-01-24. Review status: criteria provided, single submitter. Criteria: Ambry Variant Classification Scheme 2023. Collection method: clinical testing. Allele origin: germline.